The following is an entry in ClinVar:

NM_015231.3(NUP160):c.579C>G (p.Ala193=)

Gene: NUP160 (nucleoporin 160; minus strand). Cytogenetic location: 11p11.2.
Variant type: single nucleotide variant.
Coding change: c.579C>G on transcript NM_015231.3 (MANE Select); coding-DNA position 579, C replaced by G.
Protein change: p.Ala193=; no amino-acid change (alanine 193 retained).
Molecular consequence: synonymous variant. On other transcripts: 3 prime UTR variant (1), non-coding transcript variant (1).
Genome position (GRCh38, 1-based): chr11:47,839,910, G>C on the plus strand (C>G on the coding strand, the complement: NUP160 is on the minus strand). VCF-style: chr11-47839910-G-C. GRCh37 (hg19) VCF-style: chr11-47861462-G-C.
Other names: c.681C>G (NM_015231.2); c.*318C>G (NM_001318399.1).
Identifiers: ClinVar variation 2060730 (VCV002060730.7), dbSNP rs112693798, ClinGen allele CA5981584.

ClinVar aggregate classification (germline): Benign/Likely benign. Review status: criteria provided, multiple submitters, no conflicts (2 of 4 stars). 3 submissions from 3 submitters: Benign (1); Likely benign (1). 1 of the submissions does not count toward it. Last evaluated 2025-11-23.

Conditions:
NUP160-related disorder. Also called: NUP160-related condition.

Allele frequency attached by ClinVar (database versions not stated): gnomAD exomes 0.00016; ExAC 0.00057; 1000 Genomes Project 0.00160; 1000 Genomes Project 30x 0.00187; ESP Exome Variant Server 0.00200.
gnomAD v4.1: 519 of 1,614,064 alleles (0.032%); highest among the groups gnomAD compares: African/African-American, 0.61%; 1 homozygote.

Submissions (3):

Labcorp Genetics (formerly Invitae), Labcorp
Classification: Benign. Last evaluated: 2025-11-23. Review status: criteria provided, single submitter. Criteria: Invitae Variant Classification Sherloc (09022015). Collection method: clinical testing. Allele origin: germline.

Blueprint Genetics
Classification: Likely benign. Last evaluated: 2024-09-02. Review status: criteria provided, single submitter. Criteria: ACMG Guidelines, 2015. Collection method: clinical testing. Allele origin: germline.

PreventionGenetics, part of Exact Sciences
Classification: Likely benign for NUP160-related condition. Last evaluated: 2019-04-25. Review status: no assertion criteria provided. Collection method: clinical testing. Allele origin: germline. Not counted in ClinVar's aggregate classification.
Comment: This variant is classified as likely benign based on ACMG/AMP sequence variant interpretation guidelines (Richards et al. 2015 PMID: 25741868, with internal and published modifications).